The following is an entry in ClinVar:

NM_001099274.3(TINF2):c.1012A>G (p.Arg338Gly)

Gene: TINF2 (TERF1 interacting nuclear factor 2; minus strand). Cytogenetic location: 14q12.
Variant type: single nucleotide variant.
Coding change: c.1012A>G on transcript NM_001099274.3 (MANE Select); coding-DNA position 1012, A replaced by G.
Protein change: p.Arg338Gly; replaces arginine 338 with glycine.
Molecular consequence: missense variant.
Genome position (GRCh38, 1-based): chr14:24,240,468, T>C on the plus strand (A>G on the coding strand, the complement: TINF2 is on the minus strand). VCF-style: chr14-24240468-T-C. GRCh37 (hg19) VCF-style: chr14-24709674-T-C.
Other names: c.907A>G, p.Arg303Gly (NM_001363668.2); c.1012A>G, p.Arg338Gly (NM_012461.3); short protein forms R338G, R303G.
Identifiers: ClinVar variation 2007665 (VCV002007665.4), dbSNP rs2502454386, ClinGen allele CA389223712.
Genomic context (GRCh38, chr14:24,240,468, plus strand): 5'-GTTCCACTCACTCCTTTTGCTCTGTGGCAGGCAAGTCAACTGGGTTCTCCTTCAGAGCCC[T>C]TCCCCCCAGGGTCTGGCATGGACTCTTAGACTTCCCAGTGGAGGCTGCTCTTGTGCCCAT-3'
Protein context (NP_001092744.1, residues 328-348): SKSPCQTLGG[Arg338Gly]ALKENPVDLP

ClinVar aggregate classification (germline): Uncertain significance (1 of 4 stars; one submission).

Conditions:
Dyskeratosis congenita. Identifiers: Orphanet 1775, MedGen C0265965, MONDO:0015780.

Submission:

Labcorp Genetics (formerly Invitae), Labcorp
Classification: Uncertain significance for Dyskeratosis congenita. Last evaluated: 2023-12-18. Review status: criteria provided, single submitter. Criteria: Invitae Variant Classification Sherloc (09022015). Collection method: clinical testing. Allele origin: germline.
Comment: This sequence change replaces arginine, which is basic and polar, with glycine, which is neutral and non-polar, at codon 338 of the TINF2 protein (p.Arg338Gly). This variant is not present in population databases (gnomAD no frequency). This variant has not been reported in the literature in individuals affected with TINF2-related conditions. ClinVar contains an entry for this variant (Variation ID: 2007665). Algorithms developed to predict the effect of missense changes on protein structure and function output the following: SIFT: "Not Available"; PolyPhen-2: "Benign"; Align-GVGD: "Not Available". The glycine amino acid residue is found in multiple mammalian species, which suggests that this missense change does not adversely affect protein function. In summary, the available evidence is currently insufficient to determine the role of this variant in disease. Therefore, it has been classified as a Variant of Uncertain Significance.